The following is an entry in ClinVar:

NM_004187.5(KDM5C):c.1552C>G (p.His518Asp)

Gene: KDM5C (lysine demethylase 5C; minus strand). Cytogenetic location: Xp11.22.
Variant type: single nucleotide variant.
Coding change: c.1552C>G on transcript NM_004187.5 (MANE Select); coding-DNA position 1552, C replaced by G.
Protein change: p.His518Asp; replaces histidine 518 with aspartic acid.
Molecular consequence: missense variant. On other transcripts: non-coding transcript variant (3).
Genome position (GRCh38, 1-based): chrX:53,210,707, G>C on the plus strand (C>G on the coding strand, the complement: KDM5C is on the minus strand). VCF-style: chrX-53210707-G-C. GRCh37 (hg19) VCF-style: chrX-53239889-G-C.
Other names: c.1351C>G, p.His451Asp (NM_001146702.2); c.1549C>G, p.His517Asp (NM_001282622.3, NM_001353979.2, NM_001353982.2); c.1552C>G, p.His518Asp (NM_001353978.3, NM_001353981.2, NM_001353984.2); short protein forms H451D, H517D, H518D.
Identifiers: ClinVar variation 4885542 (VCV004885542.2).

ClinVar aggregate classification (germline): Uncertain significance (1 of 4 stars; one submission).

Submission:

Dasa
Classification: Uncertain significance. Last evaluated: 2025-11-12. Review status: criteria provided, single submitter. Criteria: DASA Assertion Criteria. Collection method: clinical testing. Allele origin: germline.
Comment: NM_004187.5(KDM5C):c.1552C>G (p.His518Asp) is a missense variant that results in the substitution of histidine with aspartic acid. This variant is absent from population databases. Computational prediction algorithms are consistent with a deleterious effect. The currently available literature and clinical evidence are not sufficient to establish a definitive association between this variant and the reported condition. Therefore, this variant is classified as a variant of uncertain significance.